The following is an entry in ClinVar:

ClinVar aggregate classification (germline): Uncertain significance (1 of 4 stars; one submission).

Conditions:
Genitopatellar syndrome (GTPTS). Also called: Genitopatellar syndrome (GPS); ABSENT PATELLAE, SCROTAL HYPOPLASIA, RENAL ANOMALIES, FACIAL DYSMORPHISM, AND MENTAL RETARDATION. Identifiers: Orphanet 85201, MedGen C1853566, MONDO:0011640, OMIM 606170.

Allele frequency attached by ClinVar (database versions not stated): TOPMed below 0.00001; gnomAD 0.00001.

Submission:

Labcorp Genetics (formerly Invitae), Labcorp
Classification: Uncertain significance for Genitopatellar syndrome. Last evaluated: 2024-08-12. Review status: criteria provided, single submitter. Criteria: Invitae Variant Classification Sherloc (09022015). Collection method: clinical testing. Allele origin: germline.
Comment: This sequence change replaces proline, which is neutral and non-polar, with glutamine, which is neutral and polar, at codon 1777 of the KAT6B protein (p.Pro1777Gln). This variant is not present in population databases (gnomAD no frequency). This variant has not been reported in the literature in individuals affected with KAT6B-related conditions. ClinVar contains an entry for this variant (Variation ID: 2156230). An algorithm developed to predict the effect of missense changes on protein structure and function (PolyPhen-2) suggests that this variant is likely to be disruptive. In summary, the available evidence is currently insufficient to determine the role of this variant in disease. Therefore, it has been classified as a Variant of Uncertain Significance.

NM_012330.4(KAT6B):c.5330C>A (p.Pro1777Gln)

Gene: KAT6B (lysine acetyltransferase 6B; plus strand). Cytogenetic location: 10q22.2.
Variant type: single nucleotide variant.
Coding change: c.5330C>A on transcript NM_012330.4 (MANE Select); coding-DNA position 5330, C replaced by A.
Protein change: p.Pro1777Gln; replaces proline 1777 with glutamine.
Molecular consequence: missense variant.
Genome position (GRCh38, 1-based): chr10:75,030,154, C>A. VCF-style: chr10-75030154-C-A. GRCh37 (hg19) VCF-style: chr10-76789912-C-A.
Other names: c.4781C>A, p.Pro1594Gln (NM_001256468.2, NM_001370138.1); c.4454C>A, p.Pro1485Gln (NM_001256469.2, NM_001370139.1, NM_001370140.1 and 2 more transcripts); c.4292C>A, p.Pro1431Gln (NM_001370132.1); c.3641C>A, p.Pro1214Gln (NM_001370133.1); c.3245C>A, p.Pro1082Gln (NM_001370134.1); c.2987C>A, p.Pro996Gln (NM_001370135.1); c.5330C>A, p.Pro1777Gln (NM_001370136.1, NM_001370137.1); c.4265C>A, p.Pro1422Gln (NM_001370143.1, NM_001370144.1); short protein forms P1082Q, P1214Q, P1431Q, P1777Q, P1485Q, P996Q, P1422Q, P1594Q.
Identifiers: ClinVar variation 2156230 (VCV002156230.4), dbSNP rs769628283, ClinGen allele CA209710516.